The following is an entry in ClinVar:

NM_000152.5(GAA):c.1886C>T (p.Pro629Leu)

Gene: GAA (alpha glucosidase; plus strand). Cytogenetic location: 17q25.3.
Variant type: single nucleotide variant.
Coding change: c.1886C>T on transcript NM_000152.5 (MANE Select); coding-DNA position 1886, C replaced by T.
Protein change: p.Pro629Leu; replaces proline 629 with leucine.
Molecular consequence: missense variant.
Genome position (GRCh38, 1-based): chr17:80,112,709, C>T. VCF-style: chr17-80112709-C-T. GRCh37 (hg19) VCF-style: chr17-78086508-C-T.
Other names: c.1886C>T, p.Pro629Leu (NM_001079803.3, NM_001079804.3); short protein forms P629L.
Identifiers: ClinVar variation 290659 (VCV000290659.8), dbSNP rs746961289, ClinGen allele CA8815509.
Genomic context (GRCh38, chr17:80,112,709, plus strand): 5'-ACGCCGGCCACTGGACGGGGGACGTGTGGAGCTCCTGGGAGCAGCTCGCCTCCTCCGTGC[C>T]AGGTGAGCTCCTACCAGGAGGGGCTGCTCAGCAGAGTAGAGCCGGGGGCCTCTATGGGAG-3'
Protein context (NP_000143.2, residues 619-639): SSWEQLASSV[Pro629Leu]EILQFNLLGV

ClinVar aggregate classification (germline): Uncertain significance. Review status: criteria provided, multiple submitters, no conflicts (2 of 4 stars). 3 submissions from 3 submitters: Uncertain significance (3). Last evaluated 2026-07-01.

Conditions:
Glycogen storage disease, type II (IOPD). Also called: CARDIOMEGALIA GLYCOGENICA DIFFUSA; GLYCOGEN STORAGE DISEASE II, INFANTILE-ONSET; POMPE DISEASE, INFANTILE-ONSET; ACID ALPHA-GLUCOSIDASE DEFICIENCY, INFANTILE-ONSET; GAA DEFICIENCY, INFANTILE-ONSET; ACID MALTASE DEFICIENCY, INFANTILE-ONSET. Identifiers: Orphanet 365, MedGen C0017921, MONDO:0009290, OMIM 232300.

Allele frequency attached by ClinVar (database versions not stated): ExAC 0.00001; gnomAD 0.00001; gnomAD exomes 0.00001.
gnomAD v4.1: 21 of 1,606,344 alleles (0.0013%); highest among the groups gnomAD compares: East Asian, 0.031%; no homozygotes.

Submissions (3):

Genomenon, Inc
Classification: Uncertain significance for Glycogen storage disease, type II. Last evaluated: 2026-07-01. Review status: criteria provided, single submitter. Criteria: Genomenon Sequence Variant Interpretation Standards - Updated. Collection method: curation. Allele origin: germline. Affected: no.
Comment: GAA p.Pro629Leu (c.1886C>T) is a missense variant that changes the amino acid at codon 629 from Proline to Leucine. To our knowledge, this variant has not been reported in patients affected with a GAA-related disorder in the published literature. Well-established functional studies show no damaging effect of this variant on protein function, supporting a benign classification (PMID:22644586). It is absent or not present at a significant frequency in gnomAD. In conclusion, we classify GAA p.Pro629Leu (c.1886C>T) as a variant of uncertain significance.

Labcorp Genetics (formerly Invitae), Labcorp
Classification: Uncertain significance for Glycogen storage disease, type II. Last evaluated: 2021-10-21. Review status: criteria provided, single submitter. Criteria: Invitae Variant Classification Sherloc (09022015). Collection method: clinical testing. Allele origin: germline.
Comment: This sequence change replaces proline with leucine at codon 629 of the GAA protein (p.Pro629Leu). The proline residue is highly conserved and there is a moderate physicochemical difference between proline and leucine. This variant is present in population databases (rs746961289, ExAC 0.02%). This missense change has been observed in individual(s) with Pompe disease (PMID: 22644586). ClinVar contains an entry for this variant (Variation ID: 290659). Algorithms developed to predict the effect of missense changes on protein structure and function (SIFT, PolyPhen-2, Align-GVGD) all suggest that this variant is likely to be disruptive. In summary, the available evidence is currently insufficient to determine the role of this variant in disease. Therefore, it has been classified as a Variant of Uncertain Significance.

Eurofins Ntd Llc (ga)
Classification: Uncertain significance. Last evaluated: 2016-08-28. Review status: criteria provided, single submitter. Criteria: EGL Classification Definitions 2015. Collection method: clinical testing. Allele origin: germline. Observed: 1 variant allele, 1 heterozygote.

Literature cited by the submitters: PubMed 22644586 (cited by Genomenon, Inc and Labcorp Genetics (formerly Invitae), Labcorp).